The following is an entry in ClinVar:

NM_024675.4(PALB2):c.1369del (p.Glu457fs)

Gene: PALB2 (partner and localizer of BRCA2; minus strand). Cytogenetic location: 16p12.2.
Variant type: Deletion.
Coding change: c.1369del on transcript NM_024675.4 (MANE Select); coding-DNA position 1369, one base deleted (G; older notation c.1369delG).
Protein change: p.Glu457fs; shifts the reading frame from glutamic acid 457.
Molecular consequence: frameshift variant.
Genome position (GRCh38, 1-based): chr16:23,635,177, C deleted on the plus strand (G on the coding strand, the reverse complement: PALB2 is on the minus strand); the first of 2 consecutive C bases (chr16:23,635,177-23,635,178); deleting either gives the same sequence. VCF-style (leftmost placement, unchanged base first): chr16-23635176-TC-T. GRCh37 (hg19) VCF-style: chr16-23646497-TC-T.
Other names: c.1369delG (NM_024675.3); short protein forms E457fs.
Identifiers: ClinVar variation 1331923 (VCV001331923.5), dbSNP rs2142418150, ClinGen allele CA2573054199.

ClinVar aggregate classification (germline): Pathogenic. Review status: criteria provided, multiple submitters, no conflicts (2 of 4 stars). 3 submissions from 3 submitters: Pathogenic (3). Last evaluated 2023-09-08.

Conditions:
Hereditary cancer-predisposing syndrome. Also called: Tumor predisposition; Hereditary Cancer Syndrome; Neoplastic Syndromes, Hereditary; Hereditary neoplastic syndrome. Identifiers: Orphanet 140162, MedGen C0027672, MeSH D009386, MONDO:0015356.
Familial cancer of breast. Also called: BREAST CANCER, FAMILIAL; hereditary breast carcinoma; Hereditary breast cancer. Identifiers: Orphanet 227535, MedGen C0346153, MONDO:0016419, OMIM 114480. Disease mechanism: loss of function.

Submissions (3):

Myriad Genetics, Inc.
Classification: Pathogenic for Familial cancer of breast. Last evaluated: 2023-09-08. Review status: criteria provided, single submitter. Criteria: Myriad Autosomal Dominant, Autosomal Recessive and X-Linked Classification Criteria (2023). Collection method: clinical testing. Allele origin: unknown.
Comment: This variant is considered pathogenic. This variant creates a frameshift predicted to result in premature protein truncation.

Color Diagnostics, LLC DBA Color Health
Classification: Pathogenic for Hereditary cancer-predisposing syndrome. Last evaluated: 2021-01-18. Review status: criteria provided, single submitter. Criteria: ACMG Guidelines, 2015. Collection method: clinical testing. Allele origin: germline.
Comment: This variant deletes 1 nucleotide in exon 4 of the PALB2 gene, creating a frameshift and premature translation stop signal. This variant is expected to result in an absent or non-functional protein product. To our knowledge, this variant has not been reported in individuals affected with hereditary cancer in the literature. This variant has not been identified in the general population by the Genome Aggregation Database (gnomAD). Loss of PALB2 function is a known mechanism of disease. Based on the available evidence, this variant is classified as Pathogenic.

Ambry Genetics
Classification: Pathogenic for Hereditary cancer-predisposing syndrome. Last evaluated: 2020-06-23. Review status: criteria provided, single submitter. Criteria: Ambry Variant Classification Scheme 2023. Collection method: clinical testing. Allele origin: germline.
Comment: The c.1369delG pathogenic mutation, located in coding exon 4 of the PALB2 gene, results from a deletion of one nucleotide at nucleotide position 1369, causing a translational frameshift with a predicted alternate stop codon (p.E457Kfs*28). This alteration is expected to result in loss of function by premature protein truncation or nonsense-mediated mRNA decay. As such, this alteration is interpreted as a disease-causing mutation.